The following is an entry in ClinVar:

NM_006593.4(TBR1):c.1598G>A (p.Gly533Asp)

Genes: TBR1 (T-box brain transcription factor 1; plus strand), LOC129935026 (ATAC-STARR-seq lymphoblastoid silent region 12060; plus strand). Cytogenetic location: 2q24.2.
Variant type: single nucleotide variant.
Coding change: c.1598G>A on transcript NM_006593.4 (MANE Select); coding-DNA position 1598, G replaced by A.
Protein change: p.Gly533Asp; replaces glycine 533 with aspartic acid.
Molecular consequence: missense variant.
Genome position (GRCh38, 1-based): chr2:161,423,776, G>A. VCF-style: chr2-161423776-G-A. GRCh37 (hg19) VCF-style: chr2-162280287-G-A.
Other names: short protein forms G533D.
Identifiers: ClinVar variation 1704952 (VCV001704952.2), dbSNP rs2468099985, ClinGen allele CA349214049.

ClinVar aggregate classification (germline): Uncertain significance (1 of 4 stars; one submission).

Submission:

GeneDx
Classification: Uncertain significance. Last evaluated: 2022-09-07. Review status: criteria provided, single submitter. Criteria: GeneDx Variant Classification Process June 2021. Collection method: clinical testing. Allele origin: germline. Affected: yes.
Comment: Not observed at significant frequency in large population cohorts (gnomAD); In silico analysis supports that this missense variant does not alter protein structure/function; Has not been previously published as pathogenic or benign to our knowledge